The following is an entry in ClinVar:

NM_000057.4(BLM):c.1771C>T (p.Arg591Trp)

Gene: BLM (BLM RecQ like helicase; plus strand). Cytogenetic location: 15q26.1.
Variant type: single nucleotide variant.
Coding change: c.1771C>T on transcript NM_000057.4 (MANE Select); coding-DNA position 1771, C replaced by T.
Protein change: p.Arg591Trp; replaces arginine 591 with tryptophan.
Molecular consequence: missense variant.
Genome position (GRCh38, 1-based): chr15:90,761,144, C>T. VCF-style: chr15-90761144-C-T. GRCh37 (hg19) VCF-style: chr15-91304374-C-T.
Other names: c.1771C>T, p.Arg591Trp (NM_001287246.2, NM_001287247.2); c.646C>T, p.Arg216Trp (NM_001287248.2); c.1771C>T (NM_000057.2); short protein forms R216W, R591W.
Identifiers: ClinVar variation 846355 (VCV000846355.12), dbSNP rs777647725, ClinGen allele CA7738584.

ClinVar aggregate classification (germline): Uncertain significance. Review status: criteria provided, multiple submitters, no conflicts (2 of 4 stars). 4 submissions from 4 submitters: Uncertain significance (3). 1 of the submissions does not count toward it. Last evaluated 2025-11-09.

Conditions:
Hereditary cancer-predisposing syndrome. Also called: Tumor predisposition; Hereditary neoplastic syndrome; Neoplastic Syndromes, Hereditary; Hereditary Cancer Syndrome. Identifiers: Orphanet 140162, MedGen C0027672, MeSH D009386, MONDO:0015356.
Bloom syndrome (BLM). Also called: Bloom-Torre-Machacek syndrome. Identifiers: Orphanet 125, MedGen C0005859, MONDO:0008876, OMIM 210900.

Allele frequency attached by ClinVar (database versions not stated): ExAC 0.00001; gnomAD exomes 0.00001.
gnomAD v4.1: 12 of 1,532,256 alleles (0.00078%); highest among the groups gnomAD compares: South Asian, 0.0066%; no homozygotes.

Submissions (4):

Ambry Genetics
Classification: Uncertain significance for Hereditary cancer-predisposing syndrome. Last evaluated: 2025-11-09. Review status: criteria provided, single submitter. Criteria: Ambry Variant Classification Scheme 2023. Collection method: clinical testing. Allele origin: germline.
Comment: The p.R591W variant (also known as c.1771C>T), located in coding exon 6 of the BLM gene, results from a C to T substitution at nucleotide position 1771. The arginine at codon 591 is replaced by tryptophan, an amino acid with dissimilar properties. This amino acid position is not well conserved in available vertebrate species. In addition, this alteration is predicted to be tolerated by in silico analysis. Since supporting evidence is limited at this time, the clinical significance of this alteration remains unclear.

Labcorp Genetics (formerly Invitae), Labcorp
Classification: Uncertain significance for Bloom syndrome. Last evaluated: 2024-12-24. Review status: criteria provided, single submitter. Criteria: Invitae Variant Classification Sherloc (09022015). Collection method: clinical testing. Allele origin: germline.
Comment: This sequence change replaces arginine, which is basic and polar, with tryptophan, which is neutral and slightly polar, at codon 591 of the BLM protein (p.Arg591Trp). The frequency data for this variant in the population databases is considered unreliable, as metrics indicate poor data quality at this position in the gnomAD database. This variant has not been reported in the literature in individuals affected with BLM-related conditions. ClinVar contains an entry for this variant (Variation ID: 846355). Invitae Evidence Modeling of protein sequence and biophysical properties (such as structural, functional, and spatial information, amino acid conservation, physicochemical variation, residue mobility, and thermodynamic stability) indicates that this missense variant is not expected to disrupt BLM protein function with a negative predictive value of 80%. In summary, the available evidence is currently insufficient to determine the role of this variant in disease. Therefore, it has been classified as a Variant of Uncertain Significance.

GeneDx
Classification: Uncertain significance. Last evaluated: 2024-05-17. Review status: criteria provided, single submitter. Criteria: GeneDx Variant Classification Process June 2021. Collection method: clinical testing. Allele origin: germline. Affected: yes.
Comment: Not observed at significant frequency in large population cohorts (gnomAD); In silico analysis indicates that this missense variant does not alter protein structure/function; Has not been previously published as pathogenic or benign to our knowledge

Natera, Inc.
Classification: Uncertain significance for Bloom syndrome. Last evaluated: 2019-02-02. Review status: no assertion criteria provided. Collection method: clinical testing. Allele origin: germline. Not counted in ClinVar's aggregate classification.